The following is an entry in ClinVar:

NM_197968.4(ZMYM2):c.2434_2437del (p.Lys812fs)

Gene: ZMYM2 (zinc finger MYM-type containing 2; plus strand). Cytogenetic location: 13q12.11.
Variant type: Deletion.
Coding change: c.2434_2437del on transcript NM_197968.4 (MANE Select); coding-DNA positions 2434 to 2437, 4 bases deleted (AAAG; older notation c.2434_2437delAAAG).
Protein change: p.Lys812fs; shifts the reading frame from lysine 812.
Molecular consequence: frameshift variant. On other transcripts: non-coding transcript variant (1).
Genome position (GRCh38, 1-based): chr13:20,051,574-20,051,577, AAAG deleted; deleting any 4 consecutive bases within chr13:20,051,572-20,051,577 gives the same sequence; the c. name uses the placement nearest the transcript's 3' end. VCF-style (leftmost placement, unchanged base first): chr13-20051571-CAGAA-C. GRCh37 (hg19) VCF-style: chr13-20625711-CAGAA-C.
Other names: c.2239_2242del, p.Lys747fs (NM_001353161.3); c.2434_2437del, p.Lys812fs (NM_001353162.3, NM_001353164.2, NM_001353165.2 and 5 more transcripts); c.2173_2176del, p.Lys725fs (NM_001353163.2); c.2434_2437del (NM_003453.4); short protein forms K725fs, K747fs, K812fs.
Identifiers: ClinVar variation 1264315 (VCV001264315.3), dbSNP rs2140576563, ClinGen allele CA2499221957.

ClinVar aggregate classification (germline): Pathogenic. Review status: criteria provided, single submitter (1 of 4 stars). 3 submissions from 3 submitters: Pathogenic (1). 2 of the submissions do not count toward it. Last evaluated 2026-01-21.

Conditions:
Neurodevelopmental-craniofacial syndrome with variable renal and cardiac abnormalities. Identifiers: MedGen C5561984, MONDO:0859190, OMIM 619522.
Congenital anomaly of kidney and urinary tract. Also called: Congenital anomalies of kidney and urinary tract; Congenital anomalies of the kidney and urinary tract. Identifiers: Orphanet 93545, MedGen C1968949, MeSH C566906, MONDO:0019719.

Submissions (3):

GeneDx
Classification: Pathogenic. Last evaluated: 2026-01-21. Review status: criteria provided, single submitter. Criteria: GeneDx Variant Classification Process June 2021. Collection method: clinical testing. Allele origin: germline.
Comment: Frameshift variant predicted to result in protein truncation or nonsense mediated decay in a gene for which loss of function is a known mechanism of disease; Not observed at significant frequency in large population cohorts (gnomAD); This variant is associated with the following publications: (PMID: 32891193)

OMIM
Classification: Pathogenic for NEURODEVELOPMENTAL-CRANIOFACIAL SYNDROME WITH VARIABLE RENAL AND CARDIAC ABNORMALITIES. Last evaluated: 2021-09-14. Review status: no assertion criteria provided. Collection method: literature only. Allele origin: germline. Not counted in ClinVar's aggregate classification.

Yale Center for Mendelian Genomics, Yale University
Classification: Likely pathogenic for Congenital anomaly of kidney and urinary tract. Last evaluated: 2020-09-04. Review status: no assertion criteria provided. Collection method: literature only. Allele origin: de novo. Affected: yes. Observed: 2 heterozygotes. Study: Yale Center for Mendelian Genomics. Not counted in ClinVar's aggregate classification.

Literature cited by the submitters: PubMed 32891193 (cited by OMIM and Yale Center for Mendelian Genomics, Yale University).